The following is an entry in ClinVar:

NM_001378418.1(TCF20):c.3092A>G (p.His1031Arg)

Gene: TCF20 (transcription factor 20; minus strand). Cytogenetic location: 22q13.2.
Variant type: single nucleotide variant.
Coding change: c.3092A>G on transcript NM_001378418.1 (MANE Select); coding-DNA position 3092, A replaced by G.
Protein change: p.His1031Arg; replaces histidine 1031 with arginine.
Molecular consequence: missense variant.
Genome position (GRCh38, 1-based): chr22:42,212,214, T>C on the plus strand (A>G on the coding strand, the complement: TCF20 is on the minus strand). VCF-style: chr22-42212214-T-C. GRCh37 (hg19) VCF-style: chr22-42608220-T-C.
Other names: c.3092A>G, p.His1031Arg (NM_005650.4, NM_181492.3); c.3092A>G (NM_005650.3); short protein forms H1031R.
Identifiers: ClinVar variation 4739525 (VCV004739525.2).

ClinVar aggregate classification (germline): Uncertain significance. Review status: criteria provided, multiple submitters, no conflicts (2 of 4 stars). 2 submissions from 2 submitters: Uncertain significance (2). Last evaluated 2025-05-13.

Conditions:
TCF20-related disorder. Also called: TCF20-related condition.

gnomAD v4.1: 3 of 1,614,250 alleles (0.00019%); highest among the groups gnomAD compares: East Asian, 0.0022%; no homozygotes.

Submissions (2):

PreventionGenetics, part of Exact Sciences
Classification: Uncertain significance for TCF20-related condition. Last evaluated: 2025-05-13. Review status: criteria provided, single submitter. Criteria: ACMG Guidelines, 2015. Collection method: clinical testing. Allele origin: germline.
Comment: The TCF20 c.3092A>G variant is predicted to result in the amino acid substitution p.His1031Arg. To our knowledge, this variant has not been reported in the literature or in a large population database (gnomAD), indicating this variant is rare. At this time, the clinical significance of this variant is uncertain due to the absence of conclusive functional and genetic evidence.

Labcorp Genetics (formerly Invitae), Labcorp
Classification: Uncertain significance. Last evaluated: 2025-04-17. Review status: criteria provided, single submitter. Criteria: Invitae Variant Classification Sherloc (09022015). Collection method: clinical testing. Allele origin: germline.
Comment: This sequence change replaces histidine, which is basic and polar, with arginine, which is basic and polar, at codon 1031 of the TCF20 protein (p.His1031Arg). This variant is not present in population databases (gnomAD no frequency). This variant has not been reported in the literature in individuals affected with TCF20-related conditions. An algorithm developed to predict the effect of missense changes on protein structure and function (PolyPhen-2) suggests that this variant is likely to be disruptive. In summary, the available evidence is currently insufficient to determine the role of this variant in disease. Therefore, it has been classified as a Variant of Uncertain Significance.